The following is an entry in ClinVar:

NM_001382368.1(FAM240C):c.108C>T (p.His36=)

Genes: FAM240C (family with sequence similarity 240 member C; minus strand), LINC01237 (long independently transcribed non-coding RNA 1237; plus strand). Cytogenetic location: 2q37.3.
Variant type: single nucleotide variant.
Coding change: c.108C>T on transcript NM_001382368.1 (MANE Select); coding-DNA position 108, C replaced by T.
Protein change: p.His36=; no amino-acid change (histidine 36 retained).
Molecular consequence: synonymous variant.
Genome position (GRCh38, 1-based): chr2:241,897,239, G>A on the plus strand (C>T on the coding strand, the complement: FAM240C is on the minus strand). VCF-style: chr2-241897239-G-A. GRCh37 (hg19) VCF-style: chr2-242839390-G-A.
Other names: c.93C>T, p.His31= (NM_001382369.1, NM_001382370.1).
Identifiers: ClinVar variation 3387838 (VCV003387838.14).

ClinVar aggregate classification (germline): Likely benign (1 of 4 stars; one submission).

gnomAD v4.1: 6 of 1,549,964 alleles (0.00039%); highest among the groups gnomAD compares: Non-Finnish European, 0.00052%; no homozygotes.

Submission:

CeGaT Center for Human Genetics Tuebingen
Classification: Likely benign. Last evaluated: 2024-09-01. Review status: criteria provided, single submitter. Criteria: CeGaT Center For Human Genetics Tuebingen Variant Classification Criteria Version 2. Collection method: clinical testing. Allele origin: germline. Affected: yes. Observed: 1 variant allele.
Comment: FAM240C: BP4, BP7